The following is an entry in ClinVar:

NM_001271.4(CHD2):c.3865G>C (p.Glu1289Gln)

Gene: CHD2 (chromodomain helicase DNA binding protein 2; plus strand). Cytogenetic location: 15q26.1.
Variant type: single nucleotide variant.
Coding change: c.3865G>C on transcript NM_001271.4 (MANE Select); coding-DNA position 3865, G replaced by C.
Protein change: p.Glu1289Gln; replaces glutamic acid 1289 with glutamine.
Molecular consequence: missense variant.
Genome position (GRCh38, 1-based): chr15:92,997,383, G>C. VCF-style: chr15-92997383-G-C. GRCh37 (hg19) VCF-style: chr15-93540613-G-C.
Other names: short protein forms E1289Q.
Identifiers: ClinVar variation 1717344 (VCV001717344.6), dbSNP rs2505590938, ClinGen allele CA393898769.

ClinVar aggregate classification (germline): Uncertain significance (1 of 4 stars; one submission).

Conditions:
Developmental and epileptic encephalopathy 94 (DEE94). Also called: CHD2-Related Neurodevelopmental Disorders; Epileptic encephalopathy, childhood-onset. Identifiers: Orphanet 1942, Orphanet 2382, MedGen C3809278, MONDO:0014150, OMIM 615369.

Submission:

Labcorp Genetics (formerly Invitae), Labcorp
Classification: Uncertain significance for Developmental and epileptic encephalopathy 94. Last evaluated: 2022-09-15. Review status: criteria provided, single submitter. Criteria: Invitae Variant Classification Sherloc (09022015). Collection method: clinical testing. Allele origin: germline.
Comment: This sequence change replaces glutamic acid, which is acidic and polar, with glutamine, which is neutral and polar, at codon 1289 of the CHD2 protein (p.Glu1289Gln). This variant is not present in population databases (gnomAD no frequency). This variant has not been reported in the literature in individuals affected with CHD2-related conditions. Advanced modeling of protein sequence and biophysical properties (such as structural, functional, and spatial information, amino acid conservation, physicochemical variation, residue mobility, and thermodynamic stability) performed at Invitae indicates that this missense variant is not expected to disrupt CHD2 protein function. In summary, the available evidence is currently insufficient to determine the role of this variant in disease. Therefore, it has been classified as a Variant of Uncertain Significance.